The following is an entry in ClinVar:

ClinVar aggregate classification (germline): Pathogenic. Review status: criteria provided, multiple submitters, no conflicts (2 of 4 stars). 2 submissions from 2 submitters: Pathogenic (2). Last evaluated 2025-02-10.

Conditions:
Bainbridge-Ropers syndrome. Also called: Severe feeding difficulties-failure to thrive-microcephaly due to ASXL3 deficiency syndrome. Identifiers: Orphanet 352577, MedGen C4750837, MONDO:0014205, OMIM 615485.

Submissions (2):

GeneDx
Classification: Pathogenic. Last evaluated: 2025-02-10. Review status: criteria provided, single submitter. Criteria: GeneDx Variant Classification Process June 2021. Collection method: clinical testing. Allele origin: germline. Affected: yes.
Comment: Frameshift variant predicted to result in protein truncation or nonsense mediated decay in a gene for which loss of function is a known mechanism of disease; Not observed at significant frequency in large population cohorts (gnomAD); This variant is associated with the following publications: (PMID: 33057194, 33739554, 35982159)

Clinical Genetics Laboratory, Skane University Hospital Lund
Classification: Pathogenic. Last evaluated: 2022-05-27. Review status: criteria provided, single submitter. Criteria: ACMG Guidelines, 2015. Collection method: clinical testing. Allele origin: germline. Affected: yes.

NM_030632.3(ASXL3):c.1627_1628del (p.Leu543fs)

Gene: ASXL3 (ASXL transcriptional regulator 3; plus strand). Cytogenetic location: 18q12.1.
Variant type: Microsatellite.
Coding change: c.1627_1628del on transcript NM_030632.3 (MANE Select); coding-DNA positions 1627 to 1628, 2 bases deleted (CT; older notation c.1627_1628delCT).
Protein change: p.Leu543fs; shifts the reading frame from leucine 543.
Molecular consequence: frameshift variant.
Genome position (GRCh38, 1-based): chr18:33,739,031-33,739,032, CT deleted; deleting any 2 consecutive bases within chr18:33,739,027-33,739,032 gives the same sequence; the c. name uses the placement nearest the transcript's 3' end. VCF-style (leftmost placement, unchanged base first): chr18-33739026-ACT-A. GRCh37 (hg19) VCF-style: chr18-31318990-ACT-A.
Other names: c.1627_1628del (NM_030632.1, NM_030632.2); short protein forms L543fs.
Identifiers: ClinVar variation 426466 (VCV000426466.7), dbSNP rs1085307640, ClinGen allele CA645294121.